The following is an entry in ClinVar:

NM_006012.4(CLPP):c.533A>G (p.His178Arg)

Gene: CLPP (caseinolytic mitochondrial matrix peptidase proteolytic subunit; plus strand). Cytogenetic location: 19p13.3.
Variant type: single nucleotide variant.
Coding change: c.533A>G on transcript NM_006012.4 (MANE Select); coding-DNA position 533, A replaced by G.
Protein change: p.His178Arg; replaces histidine 178 with arginine.
Molecular consequence: missense variant.
Genome position (GRCh38, 1-based): chr19:6,364,617, A>G. VCF-style: chr19-6364617-A-G. GRCh37 (hg19) VCF-style: chr19-6364628-A-G.
Other names: c.533A>G (NM_006012.2); short protein forms H178R.
Identifiers: ClinVar variation 2682512 (VCV002682512.2), dbSNP rs1396087436, ClinGen allele CA403589907.
Genomic context (GRCh38, chr19:6,364,617, plus strand): 5'-TTCTCGCCGCCGGCACCCCAGGCATGCGCCACTCGCTCCCCAACTCCCGTATCATGATCC[A>G]CCAGCCCTCAGGAGGCGCCCGGGTGAGTGCCAGACACGCGAGCTGCTGTTGGGAATCAGG-3'
Protein context (NP_006003.1, residues 168-188): HSLPNSRIMI[His178Arg]QPSGGARGQA

ClinVar aggregate classification (germline): Uncertain significance. Review status: criteria provided, multiple submitters, no conflicts (2 of 4 stars). 2 submissions from 2 submitters: Uncertain significance (2). Last evaluated 2023-11-28.

Allele frequency attached by ClinVar (database versions not stated): gnomAD exomes below 0.00001.
gnomAD v4.1: 4 of 1,611,642 alleles (0.00025%); highest among the groups gnomAD compares: Admixed American, 0.0033%; no homozygotes.

Submissions (2):

GeneDx
Classification: Uncertain significance. Last evaluated: 2023-11-28. Review status: criteria provided, single submitter. Criteria: GeneDx Variant Classification Process June 2021. Collection method: clinical testing. Allele origin: germline. Affected: yes.
Comment: Not observed at significant frequency in large population cohorts (gnomAD); In silico analysis supports that this missense variant has a deleterious effect on protein structure/function; Has not been previously published as pathogenic or benign to our knowledge

Women's Health and Genetics/Laboratory Corporation of America, LabCorp
Classification: Uncertain significance. Last evaluated: 2023-11-14. Review status: criteria provided, single submitter. Criteria: LabCorp Variant Classification Summary - May 2015. Collection method: clinical testing. Allele origin: germline.
Comment: Variant summary: CLPP c.533A>G (p.His178Arg) results in a non-conservative amino acid change in the encoded protein sequence. Five of five in-silico tools predict a damaging effect of the variant on protein function. The variant allele was found at a frequency of 8.1e-06 in 245788 control chromosomes (gnomAD). The available data on variant occurrences in the general population are insufficient to allow any conclusion about variant significance. To our knowledge, no occurrence of c.533A>G in individuals affected with Perrault Syndrome 1 and no experimental evidence demonstrating its impact on protein function have been reported. No submitters have cited clinical-significance assessments for this variant to ClinVar after 2014. Based on the evidence outlined above, the variant was classified as uncertain significance.